The following is an entry in ClinVar:

ClinVar aggregate classification (germline): Likely pathogenic (1 of 4 stars; one submission).

Conditions:
Gastrointestinal stromal tumor. Also called: Gastrointestinal stromal tumor, somatic; Gastrointestinal stroma tumor. Identifiers: Orphanet 44890, MedGen C0238198, MeSH D046152, MONDO:0011719, OMIM 606764, HP:0100723.

Allele frequency attached by ClinVar (database versions not stated): gnomAD exomes below 0.00001; ExAC 0.00001; gnomAD 0.00001.
gnomAD v4.1: 3 of 1,611,518 alleles (0.00019%); highest among the groups gnomAD compares: Non-Finnish European, 0.00025%; no homozygotes.

Submission:

Labcorp Genetics (formerly Invitae), Labcorp
Classification: Likely pathogenic for Gastrointestinal stromal tumor. Last evaluated: 2025-06-23. Review status: criteria provided, single submitter. Criteria: Invitae Variant Classification Sherloc (09022015). Collection method: clinical testing. Allele origin: germline.
Comment: This sequence change affects a donor splice site in intron 9 of the KIT gene. It is expected to disrupt RNA splicing. Variants that disrupt the donor or acceptor splice site typically lead to a loss of protein function (PMID: 16199547), and loss-of-function variants in KIT are known to be pathogenic (PMID: 15194144). This variant is not present in population databases (gnomAD no frequency). This variant has not been reported in the literature in individuals affected with KIT-related conditions. ClinVar contains an entry for this variant (Variation ID: 963726). Algorithms developed to predict the effect of sequence changes on RNA splicing suggest that this variant may disrupt the consensus splice site. In summary, the currently available evidence indicates that the variant is pathogenic, but additional data are needed to prove that conclusively. Therefore, this variant has been classified as Likely Pathogenic.

Literature cited by the submitters: PubMed 16199547; PubMed 15194144.

NM_000222.3(KIT):c.1540+2T>C

Gene: KIT (KIT proto-oncogene, receptor tyrosine kinase; plus strand). Cytogenetic location: 4q12.
Variant type: single nucleotide variant.
Coding change: c.1540+2T>C on transcript NM_000222.3 (MANE Select); the canonical splice donor site of the intron after coding-DNA position 1540, T replaced by C.
Molecular consequence: splice donor variant. On other transcripts: intron variant (4).
Genome position (GRCh38, 1-based): chr4:54,726,052, T>C. VCF-style: chr4-54726052-T-C. GRCh37 (hg19) VCF-style: chr4-55592218-T-C.
Other names: c.1543+2T>C (NM_001385284.1, NM_001385290.1); c.1531+14T>C (NM_001385288.1, NM_001385292.1); c.1540+2T>C (NM_001385285.1); c.1528+14T>C (NM_001093772.2, NM_001385286.1).
Identifiers: ClinVar variation 963726 (VCV000963726.8), dbSNP rs760183633, ClinGen allele CA2923503.